The following is an entry in ClinVar:

NM_053274.3(GLMN):c.488_489del (p.Lys163fs)

Gene: GLMN (glomulin; minus strand). Cytogenetic location: 1p22.1.
Variant type: Deletion.
Coding change: c.488_489del on transcript NM_053274.3 (MANE Select); coding-DNA positions 488 to 489, 2 bases deleted (AA; older notation c.488_489delAA).
Protein change: p.Lys163fs; shifts the reading frame from lysine 163.
Molecular consequence: frameshift variant. On other transcripts: non-coding transcript variant (1).
Genome position (GRCh38, 1-based): chr1:92,289,057-92,289,058, TT deleted on the plus strand (AA on the coding strand, the reverse complement: GLMN is on the minus strand); deleting any 2 consecutive bases within chr1:92,289,057-92,289,060 gives the same sequence; the c. name uses the placement nearest the transcript's 3' end. VCF-style (leftmost placement, unchanged base first): chr1-92289056-CTT-C. GRCh37 (hg19) VCF-style: chr1-92754613-CTT-C.
Other names: c.488_489del, p.Lys163fs (NM_001319683.2); short protein forms K163fs.
Identifiers: ClinVar variation 5018669 (VCV005018669.2).
Genomic context (GRCh38, chr1:92,289,056, plus strand): 5'-TGAACTCTATTAAGGCCTTGCAACACTGACAAAGGCCATAGTCATCCATTTGTATTTGTT[CTT>C]TTGAGTATGGAACAGGAAGAAGAGATAGCTGATTCCAAAGGGTAGACAATGCTAATCCAA-3'

ClinVar aggregate classification (germline): Likely pathogenic (1 of 4 stars; one submission).

Conditions:
Glomuvenous malformation. Also called: Familial glomangioma; VENOUS MALFORMATIONS WITH GLOMUS CELLS; GLOMANGIOMAS, MULTIPLE; GLOMUS TUMORS, MULTIPLE. Identifiers: Orphanet 83454, MedGen C1841984, MONDO:0007672, OMIM 138000.

Submission:

Juno Genomics, Hangzhou Juno Genomics, Inc
Classification: Likely pathogenic for Glomuvenous malformation. Review status: criteria provided, single submitter. Criteria: ACMG Guidelines, 2015. Collection method: clinical testing. Allele origin: germline.
Comment: Absent from controls (or at extremely low frequency if recessive) in Genome Aggregation Database.;Null variant in a gene where loss of function (LOF) is a known mechanism of disease.